The following is an entry in ClinVar:

ClinVar aggregate classification (germline): Benign. Review status: criteria provided, multiple submitters, no conflicts (2 of 4 stars). 4 submissions from 4 submitters: Benign (3). 1 of the submissions does not count toward it. Last evaluated 2026-01-28.

Conditions:
KCNH1-related disorder. Also called: KCNH1-related disorders; KCNH1-related condition.

Allele frequency attached by ClinVar (database versions not stated): gnomAD below 0.00001 and 0.00041; TOPMed 0.00008; gnomAD exomes 0.00152; ExAC 0.00169; 1000 Genomes Project 30x 0.00250; 1000 Genomes Project 0.00260.
gnomAD v4.1: 1,173 of 1,614,110 alleles (0.073%); highest among the groups gnomAD compares: South Asian, 1.2%; 29 homozygotes.

Submissions (4):

Labcorp Genetics (formerly Invitae), Labcorp
Classification: Benign. Last evaluated: 2026-01-28. Review status: criteria provided, single submitter. Criteria: Invitae Variant Classification Sherloc (09022015). Collection method: clinical testing. Allele origin: germline.

GeneDx
Classification: Benign. Last evaluated: 2019-03-05. Review status: criteria provided, single submitter. Criteria: GeneDx Variant Classification Process June 2021. Collection method: clinical testing. Allele origin: germline. Affected: yes.

Breakthrough Genomics
Classification: Benign. Review status: criteria provided, single submitter. Criteria: ACMG Guidelines, 2015. Collection method: not provided. Allele origin: germline. Inheritance: Autosomal dominant inheritance. Affected: yes.

PreventionGenetics, part of Exact Sciences
Classification: Benign for KCNH1-related condition. Last evaluated: 2024-03-27. Review status: no assertion criteria provided. Collection method: clinical testing. Allele origin: germline. Not counted in ClinVar's aggregate classification.
Comment: This variant is classified as benign based on ACMG/AMP sequence variant interpretation guidelines (Richards et al. 2015 PMID: 25741868, with internal and published modifications).

NM_172362.3(KCNH1):c.1311A>G (p.Ser437=)

Gene: KCNH1 (potassium voltage-gated channel subfamily H member 1; minus strand). Cytogenetic location: 1q32.2.
Variant type: single nucleotide variant.
Coding change: c.1311A>G on transcript NM_172362.3 (MANE Select); coding-DNA position 1311, A replaced by G.
Protein change: p.Ser437=; no amino-acid change (serine 437 retained).
Molecular consequence: synonymous variant.
Genome position (GRCh38, 1-based): chr1:210,919,791, T>C on the plus strand (A>G on the coding strand, the complement: KCNH1 is on the minus strand). VCF-style: chr1-210919791-T-C. GRCh37 (hg19) VCF-style: chr1-211093133-T-C.
Other names: c.1230A>G, p.Ser410= (NM_002238.4).
Identifiers: ClinVar variation 779824 (VCV000779824.15), dbSNP rs569479235, ClinGen allele CA1379896.